The following is an entry in ClinVar:

NM_018124.4(RFWD3):c.607C>T (p.Pro203Ser)

Gene: RFWD3 (ring finger and WD repeat domain 3; minus strand). Cytogenetic location: 16q23.1.
Variant type: single nucleotide variant.
Coding change: c.607C>T on transcript NM_018124.4 (MANE Select); coding-DNA position 607, C replaced by T.
Protein change: p.Pro203Ser; replaces proline 203 with serine.
Molecular consequence: missense variant. On other transcripts: 5 prime UTR variant (4), intron variant (1).
Genome position (GRCh38, 1-based): chr16:74,652,034, G>A on the plus strand (C>T on the coding strand, the complement: RFWD3 is on the minus strand). VCF-style: chr16-74652034-G-A. GRCh37 (hg19) VCF-style: chr16-74685932-G-A.
Other names: c.607C>T, p.Pro203Ser (NM_001370534.1, NM_001370535.1, NM_001370536.1); c.-402C>T (NM_001370537.1); c.-228C>T (NM_001370540.1); c.-279C>T (NM_001370542.1); c.-157C>T (NM_001370543.1); c.-113-2832C>T (NM_001370539.1); short protein forms P203S.
Identifiers: ClinVar variation 2085180 (VCV002085180.4), dbSNP rs144727254, ClinGen allele CA8169511.

ClinVar aggregate classification (germline): Uncertain significance (1 of 4 stars; one submission).

Allele frequency attached by ClinVar (database versions not stated): TOPMed 0.00002; gnomAD 0.00003.
gnomAD v4.1: 11 of 1,613,976 alleles (0.00068%); highest among the groups gnomAD compares: African/African-American, 0.015%; no homozygotes.

Submission:

Labcorp Genetics (formerly Invitae), Labcorp
Classification: Uncertain significance. Last evaluated: 2025-02-17. Review status: criteria provided, single submitter. Criteria: Invitae Variant Classification Sherloc (09022015). Collection method: clinical testing. Allele origin: germline.
Comment: This sequence change replaces proline, which is neutral and non-polar, with serine, which is neutral and polar, at codon 203 of the RFWD3 protein (p.Pro203Ser). This variant is present in population databases (rs144727254, gnomAD 0.02%). This variant has not been reported in the literature in individuals affected with RFWD3-related conditions. ClinVar contains an entry for this variant (Variation ID: 2085180). An algorithm developed to predict the effect of missense changes on protein structure and function (PolyPhen-2) suggests that this variant is likely to be tolerated. In summary, the available evidence is currently insufficient to determine the role of this variant in disease. Therefore, it has been classified as a Variant of Uncertain Significance.